The following is an entry in ClinVar:

NM_022167.4(XYLT2):c.32T>G (p.Val11Gly)

Gene: XYLT2 (xylosyltransferase 2; plus strand). Cytogenetic location: 17q21.33.
Variant type: single nucleotide variant.
Coding change: c.32T>G on transcript NM_022167.4 (MANE Select); coding-DNA position 32, T replaced by G.
Protein change: p.Val11Gly; replaces valine 11 with glycine.
Molecular consequence: missense variant.
Genome position (GRCh38, 1-based): chr17:50,346,172, T>G. VCF-style: chr17-50346172-T-G. GRCh37 (hg19) VCF-style: chr17-48423533-T-G.
Other names: short protein forms V11G.
Identifiers: ClinVar variation 1475665 (VCV001475665.7), dbSNP rs1269448385, ClinGen allele CA400189804.

ClinVar aggregate classification (germline): Uncertain significance. Review status: criteria provided, multiple submitters, no conflicts (2 of 4 stars). 2 submissions from 2 submitters: Uncertain significance (2). Last evaluated 2024-10-12.

Conditions:
Inborn genetic diseases. Identifiers: MedGen C0950123, MeSH D030342.

Allele frequency attached by ClinVar (database versions not stated): TOPMed below 0.00001; gnomAD exomes below 0.00001; gnomAD 0.00001.
gnomAD v4.1: 4 of 1,286,344 alleles (0.00031%); highest among the groups gnomAD compares: African/African-American, 0.0016%; no homozygotes.

Submissions (2):

Ambry Genetics
Classification: Uncertain significance for Inborn genetic diseases. Last evaluated: 2024-10-12. Review status: criteria provided, single submitter. Criteria: Ambry Variant Classification Scheme 2023. Collection method: clinical testing. Allele origin: germline.

Labcorp Genetics (formerly Invitae), Labcorp
Classification: Uncertain significance. Last evaluated: 2021-09-10. Review status: criteria provided, single submitter. Criteria: Invitae Variant Classification Sherloc (09022015). Collection method: clinical testing. Allele origin: germline.
Comment: This sequence change replaces valine with glycine at codon 11 of the XYLT2 protein (p.Val11Gly). The valine residue is moderately conserved and there is a moderate physicochemical difference between valine and glycine. In summary, the available evidence is currently insufficient to determine the role of this variant in disease. Therefore, it has been classified as a Variant of Uncertain Significance. Algorithms developed to predict the effect of missense changes on protein structure and function are either unavailable or do not agree on the potential impact of this missense change (SIFT: "Deleterious"; PolyPhen-2: "Benign"; Align-GVGD: "Class C0"). This variant has not been reported in the literature in individuals affected with XYLT2-related conditions. The frequency data for this variant in the population databases is considered unreliable, as metrics indicate insufficient coverage at this position in the ExAC database.